The following is an entry in ClinVar:

NM_024854.5(PYROXD1):c.212C>T (p.Thr71Ile)

Gene: PYROXD1 (pyridine nucleotide-disulphide oxidoreductase domain 1; plus strand). Cytogenetic location: 12p12.1.
Variant type: single nucleotide variant.
Coding change: c.212C>T on transcript NM_024854.5 (MANE Select); coding-DNA position 212, C replaced by T.
Protein change: p.Thr71Ile; replaces threonine 71 with isoleucine.
Molecular consequence: missense variant. On other transcripts: 5 prime UTR variant (2).
Genome position (GRCh38, 1-based): chr12:21,445,393, C>T. VCF-style: chr12-21445393-C-T. GRCh37 (hg19) VCF-style: chr12-21598327-C-T.
Other names: c.-2C>T (NM_001350912.2); c.-492C>T (NM_001350913.2); short protein forms T71I.
Identifiers: ClinVar variation 2791934 (VCV002791934.2), dbSNP rs369201623, ClinGen allele CA6478139.

ClinVar aggregate classification (germline): Uncertain significance (1 of 4 stars; one submission).

Allele frequency attached by ClinVar (database versions not stated): ExAC 0.00001; gnomAD exomes 0.00001; ESP Exome Variant Server 0.00008.
gnomAD v4.1: 8 of 1,609,758 alleles (0.0005%); highest among the groups gnomAD compares: African/African-American, 0.0013%; no homozygotes.

Submission:

Labcorp Genetics (formerly Invitae), Labcorp
Classification: Uncertain significance. Last evaluated: 2022-12-28. Review status: criteria provided, single submitter. Criteria: Invitae Variant Classification Sherloc (09022015). Collection method: clinical testing. Allele origin: germline.
Comment: This sequence change replaces threonine, which is neutral and polar, with isoleucine, which is neutral and non-polar, at codon 71 of the PYROXD1 protein (p.Thr71Ile). In summary, the available evidence is currently insufficient to determine the role of this variant in disease. Therefore, it has been classified as a Variant of Uncertain Significance. Advanced modeling of protein sequence and biophysical properties (such as structural, functional, and spatial information, amino acid conservation, physicochemical variation, residue mobility, and thermodynamic stability) performed at Invitae indicates that this missense variant is not expected to disrupt PYROXD1 protein function. This variant has not been reported in the literature in individuals affected with PYROXD1-related conditions. This variant is present in population databases (rs369201623, gnomAD 0.0009%).